The following is an entry in ClinVar:

NM_000138.5(FBN1):c.1868G>A (p.Cys623Tyr)

Gene: FBN1 (fibrillin 1; minus strand). Cytogenetic location: 15q21.1.
Variant type: single nucleotide variant.
Coding change: c.1868G>A on transcript NM_000138.5 (MANE Select); coding-DNA position 1868, G replaced by A.
Protein change: p.Cys623Tyr; replaces cysteine 623 with tyrosine.
Molecular consequence: missense variant.
Genome position (GRCh38, 1-based): chr15:48,505,117, C>T on the plus strand (G>A on the coding strand, the complement: FBN1 is on the minus strand). VCF-style: chr15-48505117-C-T. GRCh37 (hg19) VCF-style: chr15-48797314-C-T.
Other names: short protein forms C623Y.
Identifiers: ClinVar variation 572039 (VCV000572039.9), dbSNP rs1566914030, ClinGen allele CA392339146.

ClinVar aggregate classification (germline): Pathogenic/Likely pathogenic. Review status: criteria provided, multiple submitters, no conflicts (2 of 4 stars). 2 submissions from 2 submitters: Pathogenic (1); Likely pathogenic (1). Last evaluated 2022-09-01.

Conditions:
Familial thoracic aortic aneurysm and aortic dissection (TAAD). Also called: Thoracic aortic aneurysms and dissections. Identifiers: Orphanet 91387, MedGen C4707243, MONDO:0019625.
Marfan syndrome (MFS). Also called: FBN1-Related Marfan Syndrome; Marfan syndrome type 1; Marfan's syndrome; Marfan syndrome, classic; MARFAN SYNDROME, TYPE I. Identifiers: Orphanet 284963, Orphanet 558, MedGen C0024796, MONDO:0007947, OMIM 154700.
FBN1-related disorder. Also called: FBN1-related disorders.

Submissions (2):

Labcorp Genetics (formerly Invitae), Labcorp
Classification: Pathogenic for Marfan syndrome; Familial thoracic aortic aneurysm and aortic dissection. Last evaluated: 2022-09-01. Review status: criteria provided, single submitter. Criteria: Invitae Variant Classification Sherloc (09022015). Collection method: clinical testing. Allele origin: germline.
Comment: For these reasons, this variant has been classified as Pathogenic. This variant disrupts the p.Cys623 amino acid residue in FBN1. Other variant(s) that disrupt this residue have been observed in individuals with FBN1-related conditions (PMID: 11251996, 19293843; Invitae), which suggests that this may be a clinically significant amino acid residue. Advanced modeling of protein sequence and biophysical properties (such as structural, functional, and spatial information, amino acid conservation, physicochemical variation, residue mobility, and thermodynamic stability) performed at Invitae indicates that this missense variant is expected to disrupt FBN1 protein function. ClinVar contains an entry for this variant (Variation ID: 572039). This variant affects a cysteine residue in the EGF-like, TGFBP or hybrid motif domains of FBN1. Cysteine residues are believed to be involved in intramolecular disulfide bridges and have been shown to be important for FBN1 protein structure (PMID: 16905551, 19349279). In addition, missense substitutions affecting cysteine residues within these domains are significantly overrepresented among patients with Marfan syndrome (PMID: 16571647, 17701892). This missense change has been observed in individual(s) with clinical features of FBN1-related conditions (Invitae). This variant is not present in population databases (gnomAD no frequency). This sequence change replaces cysteine, which is neutral and slightly polar, with tyrosine, which is neutral and polar, at codon 623 of the FBN1 protein (p.Cys623Tyr).

Blueprint Genetics
Classification: Likely pathogenic for FBN1-related disorders. Last evaluated: 2019-09-12. Review status: criteria provided, single submitter. Criteria: ACMG Guidelines, 2015. Collection method: clinical testing. Allele origin: germline. Affected: yes. Observed: 1 variant allele.

Literature cited by the submitters: PubMed 11251996 (cited by Labcorp Genetics (formerly Invitae), Labcorp); PubMed 19293843 (cited by Labcorp Genetics (formerly Invitae), Labcorp); PubMed 16905551 (cited by Labcorp Genetics (formerly Invitae), Labcorp); PubMed 19349279 (cited by Labcorp Genetics (formerly Invitae), Labcorp); PubMed 16571647 (cited by Labcorp Genetics (formerly Invitae), Labcorp); PubMed 17701892 (cited by Labcorp Genetics (formerly Invitae), Labcorp).